The following is an entry in ClinVar:

ClinVar aggregate classification (germline): Benign (0 of 4 stars; one submission).

Conditions:
ALPK2-related disorder. Also called: ALPK2-related condition.

Allele frequency attached by ClinVar (database versions not stated): 1000 Genomes Project 0.01018; 1000 Genomes Project 30x 0.01140; TOPMed 0.01509; ESP Exome Variant Server 0.01715; ExAC 0.01765; gnomAD exomes 0.02268.
gnomAD v4.1: 35,657 of 1,614,206 alleles (2.2%); highest among the groups gnomAD compares: Non-Finnish European, 2.5%; 463 homozygotes.

Submission:

PreventionGenetics, part of Exact Sciences
Classification: Benign for ALPK2-related condition. Last evaluated: 2019-02-26. Review status: no assertion criteria provided. Collection method: clinical testing. Allele origin: germline.
Comment: This variant is classified as benign based on ACMG/AMP sequence variant interpretation guidelines (Richards et al. 2015 PMID: 25741868, with internal and published modifications).

NM_052947.4(ALPK2):c.4283A>G (p.Gln1428Arg)

Genes: ALPK2 (alpha kinase 2; minus strand), LOC126862764 (BRD4-independent group 4 enhancer GRCh37_chr18:56202574-56203773; plus strand). Cytogenetic location: 18q21.31.
Variant type: single nucleotide variant.
Coding change: c.4283A>G on transcript NM_052947.4 (MANE Select); coding-DNA position 4283, A replaced by G.
Protein change: p.Gln1428Arg; replaces glutamine 1428 with arginine.
Molecular consequence: missense variant.
Genome position (GRCh38, 1-based): chr18:58,535,904, T>C on the plus strand (A>G on the coding strand, the complement: ALPK2 is on the minus strand). VCF-style: chr18-58535904-T-C. GRCh37 (hg19) VCF-style: chr18-56203136-T-C.
Other names: short protein forms Q1428R.
Identifiers: ClinVar variation 3055496 (VCV003055496.2), dbSNP rs56145533, ClinGen allele CA8976742.